The following is an entry in ClinVar:

ClinVar aggregate classification (germline): Pathogenic. Review status: criteria provided, multiple submitters, no conflicts (2 of 4 stars). 2 submissions from 2 submitters: Pathogenic (2). Last evaluated 2024-06-24.

Conditions:
Primary ciliary dyskinesia. Also called: Ciliary dyskinesia. Identifiers: Orphanet 244, MedGen C0008780, MONDO:0016575, HP:0012265.

Submissions (2):

Dasa
Classification: Pathogenic. Last evaluated: 2024-06-24. Review status: criteria provided, single submitter. Criteria: DASA Assertion Criteria. Collection method: clinical testing. Allele origin: germline.
Comment: NM_018139.3(DNAAF2):c.1515del (p.Ser506Glnfs*29) is a frameshift variant in DNAAF2 predicted to alter the reading frame and introduce a premature termination codon and is predicted to result in an absent or altered protein product. Loss of function is an established disease mechanism for DNAAF2-associated disorders. This variant has been reported in individuals with DNAAF2-related disorders. Also, this variant is rare in population databases. Based on the currently available evidence, this variant is classified as pathogenic.

Labcorp Genetics (formerly Invitae), Labcorp
Classification: Pathogenic for Primary ciliary dyskinesia. Last evaluated: 2023-11-18. Review status: criteria provided, single submitter. Criteria: Invitae Variant Classification Sherloc (09022015). Collection method: clinical testing. Allele origin: germline.
Comment: This sequence change creates a premature translational stop signal (p.Ser506Glnfs*29) in the DNAAF2 gene. It is expected to result in an absent or disrupted protein product. Loss-of-function variants in DNAAF2 are known to be pathogenic (PMID: 19052621, 24498942). This variant is not present in population databases (gnomAD no frequency). This variant has not been reported in the literature in individuals affected with DNAAF2-related conditions. For these reasons, this variant has been classified as Pathogenic.

Literature cited by the submitters: PubMed 19052621 (cited by Labcorp Genetics (formerly Invitae), Labcorp); PubMed 24498942 (cited by Labcorp Genetics (formerly Invitae), Labcorp).

NM_018139.3(DNAAF2):c.1515del (p.Ser506fs)

Gene: DNAAF2 (dynein axonemal assembly factor 2; minus strand). Cytogenetic location: 14q21.3.
Variant type: Deletion.
Coding change: c.1515del on transcript NM_018139.3 (MANE Select); coding-DNA position 1515, one base deleted (C; older notation c.1515delC).
Protein change: p.Ser506fs; shifts the reading frame from serine 506.
Molecular consequence: frameshift variant. On other transcripts: 5 prime UTR variant (1).
Genome position (GRCh38, 1-based): chr14:49,633,635, G deleted on the plus strand (C on the coding strand, the reverse complement: DNAAF2 is on the minus strand). VCF-style (leftmost placement, unchanged base first): chr14-49633634-AG-A. GRCh37 (hg19) VCF-style: chr14-50100352-AG-A.
Other names: c.1515del, p.Ser506fs (NM_001083908.2); c.-357del (NM_001378453.1); short protein forms S506fs.
Identifiers: ClinVar variation 2778423 (VCV002778423.5), dbSNP rs1426753271, ClinGen allele CA706509037.